The following is an entry in ClinVar:

NM_022042.4(SLC26A1):c.1115G>A (p.Arg372His)

Genes: IDUA (alpha-L-iduronidase; plus strand), SLC26A1 (solute carrier family 26 member 1; minus strand). Cytogenetic location: 4p16.3.
Variant type: single nucleotide variant.
Coding change: c.1115G>A on transcript NM_022042.4 (MANE Select); coding-DNA position 1115, G replaced by A.
Protein change: p.Arg372His; replaces arginine 372 with histidine.
Molecular consequence: missense variant. On other transcripts: intron variant (2).
Genome position (GRCh38, 1-based): chr4:989,824, C>T on the plus strand (G>A on the coding strand, the complement: SLC26A1 is on the minus strand). VCF-style: chr4-989824-C-T. GRCh37 (hg19) VCF-style: chr4-983612-C-T.
Other names: p.Arg372His; c.1115G>A, p.Arg372His (NM_213613.4); c.576+1304G>A (NM_134425.4); c.299+1875C>T (NM_000203.5); short protein forms R372H.
Identifiers: ClinVar variation 376863 (VCV000376863.15), dbSNP rs73219719, ClinGen allele CA2801459.

ClinVar aggregate classification (germline): Benign/Likely benign. Review status: criteria provided, multiple submitters, no conflicts (2 of 4 stars). 6 submissions from 6 submitters: Benign (4); Likely benign (2). Last evaluated 2026-01-08.

Conditions:
Nephrolithiasis, calcium oxalate. Also called: Calcium oxalate urolithiasis. Identifiers: MedGen C1833683, MONDO:0957318, HP:0008672.

Allele frequency attached by ClinVar (database versions not stated): ESP Exome Variant Server 0.00628; 1000 Genomes Project 0.00719; 1000 Genomes Project 30x 0.00781; TOPMed 0.00926; gnomAD 0.01054.
gnomAD v4.1: 16,668 of 1,580,354 alleles (1.1%); highest among the groups gnomAD compares: Admixed American, 4.1%; 156 homozygotes.

Submissions (6):

Labcorp Genetics (formerly Invitae), Labcorp
Classification: Benign. Last evaluated: 2026-01-08. Review status: criteria provided, single submitter. Criteria: Invitae Variant Classification Sherloc (09022015). Collection method: clinical testing. Allele origin: germline.

Blueprint Genetics
Classification: Likely benign. Last evaluated: 2024-11-26. Review status: criteria provided, single submitter. Criteria: ACMG Guidelines, 2015. Collection method: clinical testing. Allele origin: germline.

Mayo Clinic Laboratories, Mayo Clinic
Classification: Benign. Last evaluated: 2024-11-12. Review status: criteria provided, single submitter. Criteria: ACMG Guidelines, 2015. Collection method: clinical testing. Allele origin: germline. Observed: 3 variant alleles.
Comment: BS1, BS2, BP4

Fulgent Genetics
Classification: Likely benign for Nephrolithiasis susceptibility caused by SLC26A1. Last evaluated: 2022-05-25. Review status: criteria provided, single submitter. Criteria: ACMG Guidelines, 2015. Collection method: clinical testing. Allele origin: unknown.

Center for Pediatric Genomic Medicine, Children's Mercy Hospital and Clinics
Classification: Benign. Last evaluated: 2017-02-16. Review status: criteria provided, single submitter. Criteria: ACMG Guidelines, 2015. Collection method: clinical testing. Allele origin: germline.

Breakthrough Genomics
Classification: Benign. Review status: criteria provided, single submitter. Criteria: ACMG Guidelines, 2015. Collection method: not provided. Allele origin: germline. Inheritance: Autosomal recessive inheritance. Affected: yes.